The following is an entry in ClinVar:

ClinVar aggregate classification (germline): Pathogenic. Review status: criteria provided, multiple submitters, no conflicts (2 of 4 stars). 2 submissions from 2 submitters: Pathogenic (2). Last evaluated 2025-11-24.

Conditions:
Hereditary cancer-predisposing syndrome. Also called: Neoplastic Syndromes, Hereditary; Tumor predisposition; Hereditary Cancer Syndrome; Hereditary neoplastic syndrome. Identifiers: Orphanet 140162, MedGen C0027672, MeSH D009386, MONDO:0015356.

Submissions (2):

Ambry Genetics
Classification: Pathogenic for Hereditary cancer-predisposing syndrome. Last evaluated: 2025-11-24. Review status: criteria provided, single submitter. Criteria: Ambry Variant Classification Scheme 2023. Collection method: clinical testing. Allele origin: germline.
Comment: The c.1271_1281del11 pathogenic mutation, located in coding exon 8 of the CTNNA1 gene, results from a deletion of 11 nucleotides at nucleotide positions 1271 to 1281, causing a translational frameshift with a predicted alternate stop codon (p.R424Qfs*5). This variant is considered to be rare based on population cohorts in the Genome Aggregation Database (gnomAD). This alteration is expected to result in loss of function by premature protein truncation or nonsense-mediated mRNA decay. As such, this alteration is interpreted as a disease-causing mutation.

Labcorp Genetics (formerly Invitae), Labcorp
Classification: Pathogenic. Last evaluated: 2025-10-14. Review status: criteria provided, single submitter. Criteria: Invitae Variant Classification Sherloc (09022015). Collection method: clinical testing. Allele origin: germline.
Comment: This sequence change creates a premature translational stop signal (p.Arg424Glnfs*5) in the CTNNA1 gene. It is expected to result in an absent or disrupted protein product. Loss-of-function variants in CTNNA1 are known to be pathogenic (PMID: 32051609, 34425242). This variant is not present in population databases (gnomAD no frequency). This variant has not been reported in the literature in individuals affected with CTNNA1-related conditions. For these reasons, this variant has been classified as Pathogenic.

Literature cited by the submitters: PubMed 32051609 (cited by Labcorp Genetics (formerly Invitae), Labcorp); PubMed 34425242 (cited by Labcorp Genetics (formerly Invitae), Labcorp).

NM_001903.5(CTNNA1):c.1271_1281del (p.Arg424fs)

Gene: CTNNA1 (catenin alpha 1; plus strand). Cytogenetic location: 5q31.2.
Variant type: Deletion.
Coding change: c.1271_1281del on transcript NM_001903.5 (MANE Select); coding-DNA positions 1271 to 1281, 11 bases deleted (GTGAACATGCC).
Protein change: p.Arg424fs; shifts the reading frame from arginine 424.
Molecular consequence: frameshift variant. On other transcripts: 5 prime UTR variant (5), intron variant (2).
Genome position (GRCh38, 1-based): chr5:138,887,617-138,887,627, GTGAACATGCC deleted; deleting any 11 consecutive bases within chr5:138,887,615-138,887,627 gives the same sequence; the c. name uses the placement nearest the transcript's 3' end. VCF-style (leftmost placement, unchanged base first): chr5-138887614-TCCGTGAACATG-T. GRCh37 (hg19) VCF-style: chr5-138223303-TCCGTGAACATG-T.
Other names: c.1271_1281del, p.Arg424fs (NM_001290307.3, NM_001323982.2, NM_001323983.1 and 3 more transcripts); c.962_972del, p.Arg321fs (NM_001290309.3); c.902_912del, p.Arg301fs (NM_001290310.3); c.161_171del, p.Arg54fs (NM_001290312.1, NM_001323987.1, NM_001323988.1 and 18 more transcripts); c.-237_-227del (NM_001324006.1, NM_001324007.1, NM_001324008.1 and 1 more transcripts); c.-112_-102del (NM_001324013.1); c.-58+12020_-58+12030del (NM_001324012.1); c.-61+12020_-61+12030del (NM_001324010.1); short protein forms R301fs, R321fs, R424fs, R54fs.
Identifiers: ClinVar variation 4635570 (VCV004635570.2).